The following is an entry in ClinVar:

ClinVar aggregate classification (germline): Likely benign. Review status: criteria provided, single submitter (1 of 4 stars). 2 submissions from 2 submitters: Likely benign (1). 1 of the submissions does not count toward it. Last evaluated 2026-07-01.

Conditions:
GATB-related disorder. Also called: GATB-related condition.

Allele frequency attached by ClinVar (database versions not stated): gnomAD 0.00010; 1000 Genomes Project 30x 0.00109; 1000 Genomes Project 0.00120.
gnomAD v4.1: 392 of 1,611,336 alleles (0.024%); highest among the groups gnomAD compares: South Asian, 0.4%; 6 homozygotes.

Submissions (3):

CeGaT Center for Human Genetics Tuebingen
Classification: Likely benign. Last evaluated: 2026-07-01. Review status: criteria provided, single submitter. Criteria: CeGaT Center For Human Genetics Tuebingen Variant Classification Criteria Version 2. Collection method: clinical testing. Allele origin: germline. Affected: yes. Observed: 1 variant allele.
Comment: GATB: BP4, BS2

PreventionGenetics, part of Exact Sciences
Classification: Likely benign for GATB-related condition. Last evaluated: 2022-03-21. Review status: no assertion criteria provided. Collection method: clinical testing. Allele origin: germline. Not counted in ClinVar's aggregate classification.
Comment: This variant is classified as likely benign based on ACMG/AMP sequence variant interpretation guidelines (Richards et al. 2015 PMID: 25741868, with internal and published modifications).

Dr. Peter K. Rogan Lab, Western University
No classification provided (evidence only). Condition: Malignant tumor of esophagus. Review status: no classification provided. Collection method: in vitro. Allele origin: not applicable. Functional consequence: retained intron. Not counted in ClinVar's aggregate classification.

NM_004564.3(GATB):c.16C>G (p.Leu6Val)

Genes: GATB (glutamyl-tRNA amidotransferase subunit B; minus strand), LOC129993225 (ATAC-STARR-seq lymphoblastoid active region 22022; plus strand). Cytogenetic location: 4q31.3.
Variant type: single nucleotide variant.
Coding change: c.16C>G on transcript NM_004564.3 (MANE Select); coding-DNA position 16, C replaced by G.
Protein change: p.Leu6Val; replaces leucine 6 with valine.
Molecular consequence: missense variant.
Genome position (GRCh38, 1-based): chr4:151,760,967, G>C on the plus strand (C>G on the coding strand, the complement: GATB is on the minus strand). VCF-style: chr4-151760967-G-C. GRCh37 (hg19) VCF-style: chr4-152682119-G-C.
Other names: NC_000004.11:g.152682119G>C; c.16C>G, p.Leu6Val (NM_001363341.2); short protein forms L6V.
Identifiers: ClinVar variation 3046965 (VCV003046965.4), dbSNP rs553313362, ClinGen allele CA3106052.
Genomic context (GRCh38, chr4:151,760,967, plus strand): 5'-GGCAAGAACCACCGTCAACCCGGGCGAAAGCCCAACGTCTTCCACGGCAGCCCCAGCGCA[G>C]CATGGGCGCCGCCATTGTAACTCCAGGGTCTTGGTCAGGTGACTCAGCCTCACTATGCCG-3'
Protein context (NP_004555.1, residues 1-16): MAAPM[Leu6Val]RWGCRGRRWA